The following is an entry in ClinVar:

NM_018075.5(ANO10):c.140-1G>A

Gene: ANO10 (anoctamin 10; minus strand). Cytogenetic location: 3p21.33.
Variant type: single nucleotide variant.
Coding change: c.140-1G>A on transcript NM_018075.5 (MANE Select); the canonical splice acceptor site of the intron before coding-DNA position 140, G replaced by A.
Molecular consequence: splice acceptor variant. On other transcripts: intron variant (4).
Genome position (GRCh38, 1-based): chr3:43,600,582, C>T on the plus strand (G>A on the coding strand, the complement: ANO10 is on the minus strand). VCF-style: chr3-43600582-C-T. GRCh37 (hg19) VCF-style: chr3-43642074-C-T.
Other names: c.140-1916G>A (NM_001346469.2, NM_001204832.3, NM_001346466.2); c.140-1G>A (NM_001346468.2, NM_001204834.3, NM_001346465.2 and 4 more transcripts); c.139+5132G>A (NM_001204833.3).
Identifiers: ClinVar variation 2826015 (VCV002826015.3), dbSNP rs2529790328, ClinGen allele CA352346465.

ClinVar aggregate classification (germline): Likely pathogenic (1 of 4 stars; one submission).

Submission:

Labcorp Genetics (formerly Invitae), Labcorp
Classification: Likely pathogenic. Last evaluated: 2023-01-02. Review status: criteria provided, single submitter. Criteria: Invitae Variant Classification Sherloc (09022015). Collection method: clinical testing. Allele origin: germline.
Comment: In summary, the currently available evidence indicates that the variant is pathogenic, but additional data are needed to prove that conclusively. Therefore, this variant has been classified as Likely Pathogenic. Algorithms developed to predict the effect of sequence changes on RNA splicing suggest that this variant may disrupt the consensus splice site. This variant has not been reported in the literature in individuals affected with ANO10-related conditions. This variant is not present in population databases (gnomAD no frequency). This sequence change affects an acceptor splice site in intron 2 of the ANO10 gene. It is expected to disrupt RNA splicing. Variants that disrupt the donor or acceptor splice site typically lead to a loss of protein function (PMID: 16199547), and loss-of-function variants in ANO10 are known to be pathogenic (PMID: 25089919).

Literature cited by the submitters: PubMed 16199547; PubMed 25089919.